The following is an entry in ClinVar:

NM_001376.5(DYNC1H1):c.4542+2_4542+3dup

Gene: DYNC1H1 (dynein cytoplasmic 1 heavy chain 1; plus strand). Cytogenetic location: 14q32.31.
Variant type: Duplication.
Coding change: c.4542+2_4542+3dup on transcript NM_001376.5 (MANE Select); the canonical splice donor site of the intron after coding-DNA position 4542 through 3 bases into the intron after coding-DNA position 4542, 2 bases duplicated (TG; older notation c.4542+2_4542+3dupTG).
Molecular consequence: splice donor variant.
Genome position (GRCh38, 1-based): chr14:102,001,683-102,001,684, TG duplicated; duplicating any 2 consecutive bases within chr14:102,001,682-102,001,684 gives the same sequence; the c. name uses the placement nearest the transcript's 3' end. VCF-style (leftmost placement, unchanged base first): chr14-102001681-G-GGT. GRCh37 (hg19) VCF-style: chr14-102468018-G-GGT.
Other names: c.4542+2_4542+3dupTG (NM_001376.5).
Identifiers: ClinVar variation 4853787 (VCV004853787.1).

ClinVar aggregate classification (germline): Uncertain significance (1 of 4 stars; one submission).

Submission:

Women's Health and Genetics/Laboratory Corporation of America, LabCorp
Classification: Uncertain significance. Last evaluated: 2026-05-19. Review status: criteria provided, single submitter. Criteria: LabCorp Variant Classification Summary - May 2015. Collection method: clinical testing. Allele origin: germline.
Comment: Variant summary: DYNC1H1 c.4542+2_4542+3dupTG alters a nucleotide located close to a canonical splice site and therefore could affect mRNA splicing, leading to a significantly altered protein sequence. Consensus agreement among computation tools predict no significant impact on normal splicing. However, these predictions have yet to be confirmed by functional studies. The variant was absent in 251470 control chromosomes. The available data on variant occurrences in the general population are insufficient to allow any conclusion about variant significance. To our knowledge, no occurrence of c.4542+2_4542+3dupTG in individuals affected with DYNC1H1-related conditions and no experimental evidence demonstrating its impact on protein function have been reported. No submitters have cited clinical-significance assessments for this variant to ClinVar. Based on the evidence outlined above, the variant was classified as uncertain significance.